The following is an entry in ClinVar:

ClinVar aggregate classification (germline): Likely benign. Review status: criteria provided, multiple submitters, no conflicts (2 of 4 stars). 3 submissions from 3 submitters: Likely benign (3). Last evaluated 2026-04-13.

Conditions:
USH2A-related disorder. Also called: USH2A-related disorders; USH2A-related condition. Identifiers: MedGen CN239332.

Allele frequency attached by ClinVar (database versions not stated): gnomAD exomes below 0.00001; TOPMed below 0.00001; ExAC 0.00001; gnomAD 0.00001.
gnomAD v4.1: 5 of 1,613,664 alleles (0.00031%); highest among the groups gnomAD compares: South Asian, 0.0022%; no homozygotes.

Submissions (3):

PreventionGenetics, part of Exact Sciences
Classification: Likely benign for USH2A-related condition. Last evaluated: 2026-04-13. Review status: criteria provided, single submitter. Criteria: ACMG Guidelines, 2015. Collection method: clinical testing. Allele origin: germline.
Comment: This variant is classified as likely benign based on ACMG/AMP sequence variant interpretation guidelines (Richards et al. 2015 PMID: 25741868, with internal and published modifications).

Labcorp Genetics (formerly Invitae), Labcorp
Classification: Likely benign. Last evaluated: 2025-06-14. Review status: criteria provided, single submitter. Criteria: Invitae Variant Classification Sherloc (09022015). Collection method: clinical testing. Allele origin: germline.

Blueprint Genetics
Classification: Likely benign. Last evaluated: 2022-09-02. Review status: criteria provided, single submitter. Criteria: ACMG Guidelines, 2015. Collection method: clinical testing. Allele origin: germline.

NM_206933.4(USH2A):c.14958G>A (p.Thr4986=)

Gene: USH2A (usherin; minus strand). Cytogenetic location: 1q41.
Variant type: single nucleotide variant.
Coding change: c.14958G>A on transcript NM_206933.4 (MANE Select); coding-DNA position 14958, G replaced by A.
Protein change: p.Thr4986=; no amino-acid change (threonine 4986 retained).
Molecular consequence: synonymous variant.
Genome position (GRCh38, 1-based): chr1:215,640,568, C>T on the plus strand (G>A on the coding strand, the complement: USH2A is on the minus strand). VCF-style: chr1-215640568-C-T. GRCh37 (hg19) VCF-style: chr1-215813910-C-T.
Other names: c.14958G>A (NM_206933.2).
Identifiers: ClinVar variation 1986083 (VCV001986083.6), dbSNP rs762564168, ClinGen allele CA1392869.
Genomic context (GRCh38, chr1:215,640,568, plus strand): 5'-CTGGGGAACAGAGCGCCTTCCACACTGAGAAACAGGAGTCAGAAACTAACTTTTGTCCGC[C>T]GTTCTCGGTATGTAGAGGGTGGTGTCCAAGCCGCTGTACACGCGTCGCCCTCCGTCGGTT-3'
Protein context (NP_996816.3, residues 4976-4996): GLDTTLYIPR[Thr4986=]ADKTFFFQVI